The following is an entry in ClinVar:

ClinVar aggregate classification (germline): Likely benign. Review status: criteria provided, multiple submitters, no conflicts (2 of 4 stars). 2 submissions from 2 submitters: Likely benign (2). Last evaluated 2024-10-04.

Conditions:
Infantile neuroaxonal dystrophy (NBIA2A). Also called: Infantile neuroaxonal dystrophy 1; NEURODEGENERATION WITH BRAIN IRON ACCUMULATION 2A; SEITELBERGER DISEASE. Identifiers: Orphanet 35069, MedGen C0270724, MONDO:0024457, OMIM 256600.

Allele frequency attached by ClinVar (database versions not stated): TOPMed below 0.00001; gnomAD 0.00001; gnomAD exomes 0.00001; ExAC 0.00002.
gnomAD v4.1: 17 of 1,614,056 alleles (0.0011%); highest among the groups gnomAD compares: Non-Finnish European, 0.0011%; no homozygotes.

Submissions (2):

Labcorp Genetics (formerly Invitae), Labcorp
Classification: Likely benign for Infantile neuroaxonal dystrophy. Last evaluated: 2024-10-04. Review status: criteria provided, single submitter. Criteria: Invitae Variant Classification Sherloc (09022015). Collection method: clinical testing. Allele origin: germline.

CeGaT Center for Human Genetics Tuebingen
Classification: Likely benign. Last evaluated: 2023-09-01. Review status: criteria provided, single submitter. Criteria: CeGaT Center For Human Genetics Tuebingen Variant Classification Criteria Version 2. Collection method: clinical testing. Allele origin: germline. Affected: yes. Observed: 1 variant allele.
Comment: PLA2G6: BP4, BP7

NM_003560.4(PLA2G6):c.102G>A (p.Ser34=)

Gene: PLA2G6 (phospholipase A2 group VI; minus strand). Cytogenetic location: 22q13.1.
Variant type: single nucleotide variant.
Coding change: c.102G>A on transcript NM_003560.4 (MANE Select); coding-DNA position 102, G replaced by A.
Protein change: p.Ser34=; no amino-acid change (serine 34 retained).
Molecular consequence: synonymous variant. On other transcripts: 5 prime UTR variant (3).
Genome position (GRCh38, 1-based): chr22:38,169,325, C>T on the plus strand (G>A on the coding strand, the complement: PLA2G6 is on the minus strand). VCF-style: chr22-38169325-C-T. GRCh37 (hg19) VCF-style: chr22-38565332-C-T.
Other names: c.102G>A, p.Ser34= (NM_001004426.3, NM_001199562.3, NM_001349864.2 and 2 more transcripts); c.-564G>A (NM_001349867.2, NM_001349869.2); c.-389G>A (NM_001349868.2).
Identifiers: ClinVar variation 2417343 (VCV002417343.31), dbSNP rs763513493, ClinGen allele CA10231375.